The following is an entry in ClinVar:

NM_006231.4(POLE):c.4631A>G (p.Glu1544Gly)

Gene: POLE (DNA polymerase epsilon, catalytic subunit; minus strand). Cytogenetic location: 12q24.33.
Variant type: single nucleotide variant.
Coding change: c.4631A>G on transcript NM_006231.4 (MANE Select); coding-DNA position 4631, A replaced by G.
Protein change: p.Glu1544Gly; replaces glutamic acid 1544 with glycine.
Molecular consequence: missense variant.
Genome position (GRCh38, 1-based): chr12:132,642,917, T>C on the plus strand (A>G on the coding strand, the complement: POLE is on the minus strand). VCF-style: chr12-132642917-T-C. GRCh37 (hg19) VCF-style: chr12-133219503-T-C.
Other names: short protein forms E1544G.
Identifiers: ClinVar variation 4141233 (VCV004141233.1).

ClinVar aggregate classification (germline): Uncertain significance (1 of 4 stars; one submission).

Conditions:
Hereditary cancer-predisposing syndrome. Also called: Hereditary neoplastic syndrome; Neoplastic Syndromes, Hereditary; Tumor predisposition; Hereditary Cancer Syndrome. Identifiers: Orphanet 140162, MedGen C0027672, MeSH D009386, MONDO:0015356.

Submission:

Ambry Genetics
Classification: Uncertain significance for Hereditary cancer-predisposing syndrome. Last evaluated: 2025-08-28. Review status: criteria provided, single submitter. Criteria: Ambry Variant Classification Scheme 2023. Collection method: clinical testing. Allele origin: germline.
Comment: The p.E1544G variant (also known as c.4631A>G), located in coding exon 36 of the POLE gene, results from an A to G substitution at nucleotide position 4631. The glutamic acid at codon 1544 is replaced by glycine, an amino acid with similar properties. This amino acid position is conserved. In addition, this alteration is predicted to be tolerated by in silico analysis. Based on the available evidence, the clinical significance of this variant remains unclear.